The following is an entry in ClinVar:

NM_000090.4(COL3A1):c.809G>A (p.Gly270Glu)

Gene: COL3A1 (collagen type III alpha 1 chain; plus strand). Cytogenetic location: 2q32.2.
Variant type: single nucleotide variant.
Coding change: c.809G>A on transcript NM_000090.4 (MANE Select); coding-DNA position 809, G replaced by A.
Protein change: p.Gly270Glu; replaces glycine 270 with glutamic acid.
Molecular consequence: missense variant.
Genome position (GRCh38, 1-based): chr2:188,991,014, G>A. VCF-style: chr2-188991014-G-A. GRCh37 (hg19) VCF-style: chr2-189855740-G-A.
Identifiers: ClinVar variation 101173 (VCV000101173.7), dbSNP rs587779478, ClinGen allele CA007473.

ClinVar aggregate classification (germline): Likely pathogenic. Review status: criteria provided, multiple submitters, no conflicts (2 of 4 stars). 3 submissions from 3 submitters: Likely pathogenic (2). 1 of the submissions does not count toward it. Last evaluated 2025-09-25.

Conditions:
Familial thoracic aortic aneurysm and aortic dissection (TAAD). Also called: Thoracic aortic aneurysms and dissections. Identifiers: Orphanet 91387, MedGen C4707243, MONDO:0019625.
Ehlers-Danlos syndrome, type 4 (EDSVASC). Also called: Ehlers-Danlos syndrome vascular type; Ehlers Danlos syndrome, ecchymotic type; Ehlers Danlos syndrome, arterial type; Ehlers Danlos syndrome, Sack-Barabas type; Ehlers-Danlos Syndrome Type IV. Identifiers: Orphanet 286, MedGen C0268338, MONDO:0017314, OMIM 130050.

Submissions (3):

Ambry Genetics
Classification: Likely pathogenic for Familial thoracic aortic aneurysm and aortic dissection. Last evaluated: 2025-09-25. Review status: criteria provided, single submitter. Criteria: Ambry Variant Classification Scheme 2023. Collection method: clinical testing. Allele origin: germline.
Comment: The p.G270E variant (also known as c.809G>A), located in coding exon 11 of the COL3A1 gene, results from a G to A substitution at nucleotide position 809. The glycine at codon 270 is replaced by glutamic acid, an amino acid with similar properties. The majority (approximately two-thirds) of COL3A1 mutations identified to date have involved the substitution of another amino acid for glycine within the triple-helical domain (Pepin MG et al. Genet Med. 2014;16(12):881-8; Frank M et al. Eur J Hum Genet. 2015;23(12):1657-64). This variant was reported in individual(s) with features consistent with vascular Ehlers-Danlos syndrome (Pepin MG et al. Genet Med, 2014 Dec;16:881-8). Internal structural analysis indicates that this alteration disrupts the characteristic G-X-Y motif in the COL3A1 protein and inserts a bulky side chain into a sterically-constrained region (Bella J et al. Science. 1994;266:75-81; Hohenester E et al. Proc. Natl. Acad. Sci. U.S.A. 2008;105:18273-7; Ambry internal data). This amino acid position is highly conserved in available vertebrate species. In addition, this alteration is predicted to be deleterious by in silico analysis. This variant is considered to be rare based on population cohorts in the Genome Aggregation Database (gnomAD). Based on the majority of available evidence to date, this variant is likely to be pathogenic.

Labcorp Genetics (formerly Invitae), Labcorp
Classification: Likely pathogenic for Ehlers-Danlos syndrome, type 4. Last evaluated: 2024-06-25. Review status: criteria provided, single submitter. Criteria: Invitae Variant Classification Sherloc (09022015). Collection method: clinical testing. Allele origin: germline.
Comment: This sequence change replaces glycine, which is neutral and non-polar, with glutamic acid, which is acidic and polar, at codon 270 of the COL3A1 protein (p.Gly270Glu). This variant is not present in population databases (gnomAD no frequency). This missense change has been observed in individual(s) with autosomal dominant Ehler-Danlos syndrome (PMID: 24922459; Invitae). ClinVar contains an entry for this variant (Variation ID: 101173). Advanced modeling of protein sequence and biophysical properties (such as structural, functional, and spatial information, amino acid conservation, physicochemical variation, residue mobility, and thermodynamic stability) performed at Invitae indicates that this missense variant is expected to disrupt COL3A1 protein function with a positive predictive value of 95%. This variant disrupts the triple helix domain of COL3A1. Glycine residues within the Gly-Xaa-Yaa repeats of the triple helix domain are required for the structure and stability of fibrillar collagens (PMID: 7695699, 8218237, 19344236). In COL3A1, variants that affect these glycine residues are significantly enriched in individuals with disease (PMID: 24922459, 25758994) compared to the general population (ExAC). In summary, the currently available evidence indicates that the variant is pathogenic, but additional data are needed to prove that conclusively. Therefore, this variant has been classified as Likely Pathogenic.

Collagen Diagnostic Laboratory, University of Washington
Classification: Pathogenic for Ehlers-Danlos syndrome, type 4. Review status: no assertion criteria provided. Collection method: clinical testing. Allele origin: germline. Affected: yes. Not counted in ClinVar's aggregate classification.

Literature cited by the submitters: PubMed 24922459 (cited by Ambry Genetics and Labcorp Genetics (formerly Invitae), Labcorp); PubMed 7695699 (cited by Labcorp Genetics (formerly Invitae), Labcorp); PubMed 8218237 (cited by Labcorp Genetics (formerly Invitae), Labcorp); PubMed 19344236 (cited by Labcorp Genetics (formerly Invitae), Labcorp); PubMed 25758994 (cited by Labcorp Genetics (formerly Invitae), Labcorp).